The following is an entry in ClinVar:

ClinVar aggregate classification (germline): Likely benign. Review status: criteria provided, multiple submitters, no conflicts (2 of 4 stars). 2 submissions from 2 submitters: Likely benign (2). Last evaluated 2022-05-01.

Conditions:
Inborn genetic diseases. Identifiers: MedGen C0950123, MeSH D030342.

Allele frequency attached by ClinVar (database versions not stated): gnomAD 0.00001; gnomAD exomes 0.00001; TOPMed 0.00001; ExAC 0.00003.
gnomAD v4.1: 22 of 1,613,728 alleles (0.0014%); highest among the groups gnomAD compares: Non-Finnish European, 0.0017%; no homozygotes.

Submissions (2):

CeGaT Center for Human Genetics Tuebingen
Classification: Likely benign. Last evaluated: 2022-05-01. Review status: criteria provided, single submitter. Criteria: CeGaT Center For Human Genetics Tuebingen Variant Classification Criteria Version 2. Collection method: clinical testing. Allele origin: germline. Affected: yes. Observed: 1 variant allele.
Comment: EPAS1: BP4, BP7

Ambry Genetics
Classification: Likely benign for Inborn genetic diseases. Last evaluated: 2022-04-22. Review status: criteria provided, single submitter. Criteria: Ambry Variant Classification Scheme 2023. Collection method: clinical testing. Allele origin: germline.

NM_001430.5(EPAS1):c.2592A>G (p.Arg864=)

Gene: EPAS1 (endothelial PAS domain protein 1; plus strand). Cytogenetic location: 2p21.
Variant type: single nucleotide variant.
Coding change: c.2592A>G on transcript NM_001430.5 (MANE Select); coding-DNA position 2592, A replaced by G.
Protein change: p.Arg864=; no amino-acid change (arginine 864 retained).
Molecular consequence: synonymous variant.
Genome position (GRCh38, 1-based): chr2:46,384,639, A>G. VCF-style: chr2-46384639-A-G. GRCh37 (hg19) VCF-style: chr2-46611778-A-G.
Identifiers: ClinVar variation 1793530 (VCV001793530.26), dbSNP rs748584056, ClinGen allele CA1645410.